The following is an entry in ClinVar:

ClinVar aggregate classification (germline): Benign/Likely benign. Review status: criteria provided, multiple submitters, no conflicts (2 of 4 stars). 10 submissions from 10 submitters: Benign (7); Likely benign (2). 1 of the submissions does not count toward it. Last evaluated 2026-02-04.

Conditions:
Lymphangiomyomatosis (LAM). Also called: Lymphangioleiomyomatosis; Lymphangioleiomyomatosis, somatic. Identifiers: Orphanet 538, MedGen C0751674, MONDO:0011705, OMIM 606690.
Tuberous sclerosis 2 (TSC2). Identifiers: Orphanet 805, MedGen C1860707, MONDO:0013199, OMIM 613254.
Isolated focal cortical dysplasia type II (FCORD2). Also called: CORTICAL DYSPLASIA OF TAYLOR; Focal cortical dysplasia type II. Identifiers: Orphanet 268994, MedGen C1846385, MONDO:0011818, OMIM 607341, HP:0032051.
Tuberous sclerosis syndrome (TSC). Also called: Tuberous Sclerosis Complex; Tuberous sclerosis. Identifiers: Orphanet 805, MedGen C0041341, MONDO:0001734.

Allele frequency attached by ClinVar (database versions not stated): gnomAD exomes 0.00031 and 0.00075; ExAC 0.00188; gnomAD 0.00350 and 0.00379; 1000 Genomes Project 30x 0.00375; 1000 Genomes Project 0.00379; TOPMed 0.00400; ESP Exome Variant Server 0.00424.
gnomAD v4.1: 987 of 1,551,292 alleles (0.064%); highest among the groups gnomAD compares: African/African-American, 1.2%; 5 homozygotes.

Submissions (10):

Labcorp Genetics (formerly Invitae), Labcorp
Classification: Benign for Tuberous sclerosis 2. Last evaluated: 2026-02-04. Review status: criteria provided, single submitter. Criteria: Invitae Variant Classification Sherloc (09022015). Collection method: clinical testing. Allele origin: germline.

ARUP Laboratories, Molecular Genetics and Genomics, ARUP Laboratories
Classification: Benign. Last evaluated: 2025-05-15. Review status: criteria provided, single submitter. Criteria: ARUP Molecular Germline Variant Investigation Process 2024. Collection method: clinical testing. Allele origin: germline.

Blueprint Genetics
Classification: Likely benign. Last evaluated: 2024-05-29. Review status: criteria provided, single submitter. Criteria: ACMG Guidelines, 2015. Collection method: clinical testing. Allele origin: germline.

KCCC/NGS Laboratory, Kuwait Cancer Control Center
Classification: Benign for Tuberous sclerosis 2. Last evaluated: 2023-07-07. Review status: criteria provided, single submitter. Criteria: ACMG Guidelines, 2015. Collection method: clinical testing. Allele origin: germline. Affected: yes.

Genome-Nilou Lab
Classification: Benign for Tuberous sclerosis 2. Last evaluated: 2021-11-07. Review status: criteria provided, single submitter. Criteria: ACMG Guidelines, 2015. Collection method: clinical testing. Allele origin: germline. Affected: no.

Fulgent Genetics
Classification: Likely benign for Lymphangiomyomatosis; Isolated focal cortical dysplasia type II; Tuberous sclerosis 2. Last evaluated: 2021-07-17. Review status: criteria provided, single submitter. Criteria: ACMG Guidelines, 2015. Collection method: clinical testing. Allele origin: unknown.

GeneDx
Classification: Benign. Last evaluated: 2013-03-01. Review status: criteria provided, single submitter. Criteria: GeneDx Variant Classification (06012015). Collection method: clinical testing. Allele origin: germline. Affected: yes.
Comment: This variant is considered likely benign or benign based on one or more of the following criteria: it is a conservative change, it occurs at a poorly conserved position in the protein, it is predicted to be benign by multiple in silico algorithms, and/or has population frequency not consistent with disease.

Breakthrough Genomics
Classification: Benign. Review status: criteria provided, single submitter. Criteria: ACMG Guidelines, 2015. Collection method: not provided. Allele origin: germline. Inheritance: Autosomal dominant inheritance. Affected: yes.

PreventionGenetics, part of Exact Sciences
Classification: Benign. Review status: criteria provided, single submitter. Criteria: ACMG Guidelines, 2015. Collection method: clinical testing. Allele origin: germline.

Tuberous sclerosis database (TSC2)
No classification provided. Condition: TSC. Review status: no classification provided. Criteria: Tuberous Sclerosis Database Assertion Criteria 2015. Collection method: curation. Allele origin: germline. Affected: yes. Not counted in ClinVar's aggregate classification.

NM_000548.5(TSC2):c.1443+18C>T

Gene: TSC2 (TSC complex subunit 2; plus strand). Cytogenetic location: 16p13.3.
Variant type: single nucleotide variant.
Coding change: c.1443+18C>T on transcript NM_000548.5 (MANE Select); 18 bases into the intron after coding-DNA position 1443, C replaced by T.
Molecular consequence: intron variant.
Genome position (GRCh38, 1-based): chr16:2,063,071, C>T. VCF-style: chr16-2063071-C-T. GRCh37 (hg19) VCF-style: chr16-2113072-C-T.
Other names: c.1443+18C>T (NM_001077183.3, NM_001114382.3, NM_021055.3 and 4 more transcripts); c.1332+18C>T (NM_001318827.2); c.843+18C>T (NM_001318831.2); c.1296+18C>T (NM_001318829.2); c.1476+18C>T (NM_001318832.2).
Identifiers: ClinVar variation 64938 (VCV000064938.27), dbSNP rs375947241, ClinGen allele CA014809.